The following is an entry in ClinVar:

ClinVar aggregate classification (germline): Uncertain significance (1 of 4 stars; one submission).

Conditions:
Christianson syndrome (MRXSCH). Also called: INTELLECTUAL DEVELOPMENTAL DISORDER, X-LINKED, SYNDROMIC, CHRISTIANSON TYPE; X-linked mental retardation, syndromic, Christianson type; SLC9A6-Related Syndromic Mental Retardation. Identifiers: Orphanet 85278, MedGen C2678194, MONDO:0010278, OMIM 300243.

Submission:

Labcorp Genetics (formerly Invitae), Labcorp
Classification: Uncertain significance for Christianson syndrome. Last evaluated: 2019-07-28. Review status: criteria provided, single submitter. Criteria: Invitae Variant Classification Sherloc (09022015). Collection method: clinical testing. Allele origin: germline.
Comment: In summary, the available evidence is currently insufficient to determine the role of this variant in disease. Therefore, it has been classified as a Variant of Uncertain Significance. Algorithms developed to predict the effect of missense changes on protein structure and function (SIFT, PolyPhen-2, Align-GVGD) all suggest that this variant is likely to be tolerated, but these predictions have not been confirmed by published functional studies and their clinical significance is uncertain. This variant has not been reported in the literature in individuals with SLC9A6-related conditions. This variant is not present in population databases (ExAC no frequency). This sequence change replaces threonine with isoleucine at codon 601 of the SLC9A6 protein (p.Thr601Ile). The threonine residue is moderately conserved and there is a moderate physicochemical difference between threonine and isoleucine.

NM_001379110.1(SLC9A6):c.1832C>T (p.Thr611Ile)

Gene: SLC9A6 (solute carrier family 9 member A6; plus strand). Cytogenetic location: Xq26.3.
Variant type: single nucleotide variant.
Coding change: c.1832C>T on transcript NM_001379110.1 (MANE Select); coding-DNA position 1832, C replaced by T.
Protein change: p.Thr611Ile; replaces threonine 611 with isoleucine.
Molecular consequence: missense variant.
Genome position (GRCh38, 1-based): chrX:136,044,516, C>T. VCF-style: chrX-136044516-C-T. GRCh37 (hg19) VCF-style: chrX-135126675-C-T.
Other names: c.1898C>T, p.Thr633Ile (NM_001042537.2); c.1742C>T, p.Thr581Ile (NM_001177651.2); c.1646C>T, p.Thr549Ile (NM_001330652.2); c.1802C>T, p.Thr601Ile (NM_006359.3); short protein forms T581I, T633I, T549I, T611I, T601I.
Identifiers: ClinVar variation 963236 (VCV000963236.10), dbSNP rs2071564662, ClinGen allele CA414756777.
Genomic context (GRCh38, chrX:136,044,516, plus strand): 5'-AGGAACAGTTGAAAGATGATGATTCTGATCTTATTCTCAATGATGGTGACATCAGTTTGA[C>T]ATATGGAGATTCTACTGTGAACACTGAACCGGCCACATCCAGCGCCCCAAGGAGATTTAT-3'
Protein context (NP_001366039.1, residues 601-621): LILNDGDISL[Thr611Ile]YGDSTVNTEP